The following is an entry in ClinVar:

ClinVar aggregate classification (germline): Likely benign. Review status: criteria provided, multiple submitters, no conflicts (2 of 4 stars). 3 submissions from 3 submitters: Likely benign (3). Last evaluated 2025-04-11.

Conditions:
Catecholaminergic polymorphic ventricular tachycardia 1. Also called: RYR2-Related Catecholaminergic Polymorphic Ventricular Tachycardia; VENTRICULAR TACHYCARDIA, STRESS-INDUCED POLYMORPHIC 1; VENTRICULAR TACHYCARDIA, CATECHOLAMINERGIC POLYMORPHIC, 1, WITH OR WITHOUT ATRIAL DYSFUNCTION AND/OR DILATED CARDIOMYOPATHY. Identifiers: Orphanet 3286, MedGen C1631597, MONDO:0011484, OMIM 604772.

Allele frequency attached by ClinVar (database versions not stated): gnomAD 0.00001; gnomAD exomes 0.00002; ExAC 0.00004.
gnomAD v4.1: 29 of 1,526,032 alleles (0.0019%); highest among the groups gnomAD compares: Non-Finnish European, 0.0024%; no homozygotes.

Submissions (3):

Mayo Clinic Laboratories, Mayo Clinic
Classification: Likely benign. Last evaluated: 2025-04-11. Review status: criteria provided, single submitter. Criteria: ACMG Guidelines, 2015. Collection method: clinical testing. Allele origin: germline. Observed: 1 variant allele.
Comment: BP4, BP7

Labcorp Genetics (formerly Invitae), Labcorp
Classification: Likely benign for Catecholaminergic polymorphic ventricular tachycardia 1. Last evaluated: 2024-06-06. Review status: criteria provided, single submitter. Criteria: Invitae Variant Classification Sherloc (09022015). Collection method: clinical testing. Allele origin: germline.

Blueprint Genetics
Classification: Likely benign. Last evaluated: 2024-05-13. Review status: criteria provided, single submitter. Criteria: ACMG Guidelines, 2015. Collection method: clinical testing. Allele origin: germline.

NM_006073.4(TRDN):c.1247-8A>G

Gene: TRDN (triadin; minus strand). Cytogenetic location: 6q22.31.
Variant type: single nucleotide variant.
Coding change: c.1247-8A>G on transcript NM_006073.4 (MANE Select); 8 bases into the intron before coding-DNA position 1247, A replaced by G.
Molecular consequence: intron variant.
Genome position (GRCh38, 1-based): chr6:123,375,639, T>C on the plus strand (A>G on the coding strand, the complement: TRDN is on the minus strand). VCF-style: chr6-123375639-T-C. GRCh37 (hg19) VCF-style: chr6-123696784-T-C.
Other names: p.?; c.1250-8A>G (NM_001251987.2).
Identifiers: ClinVar variation 2137747 (VCV002137747.6), dbSNP rs762734593, ClinGen allele CA3984034.